The following is an entry in ClinVar:

ClinVar aggregate classification (germline): Uncertain significance. Review status: criteria provided, single submitter (1 of 4 stars). 2 submissions from 2 submitters: Uncertain significance (1). 1 of the submissions does not count toward it. Last evaluated 2025-06-11.

Conditions:
DYRK1B-related disorder. Also called: DYRK1B-related condition.

Submissions (2):

Labcorp Genetics (formerly Invitae), Labcorp
Classification: Uncertain significance. Last evaluated: 2025-06-11. Review status: criteria provided, single submitter. Criteria: Invitae Variant Classification Sherloc (09022015). Collection method: clinical testing. Allele origin: germline.
Comment: This sequence change creates a premature translational stop signal (p.Gln545Serfs*19) in the DYRK1B gene. While this is not anticipated to result in nonsense mediated decay, it is expected to disrupt the last 85 amino acid(s) of the DYRK1B protein. The frequency data for this variant in the population databases is considered unreliable, as metrics indicate poor data quality at this position in the gnomAD database. This variant has not been reported in the literature in individuals affected with DYRK1B-related conditions. ClinVar contains an entry for this variant (Variation ID: 3350253). Experimental studies and prediction algorithms are not available or were not evaluated, and the functional significance of this variant is currently unknown. In summary, the available evidence is currently insufficient to determine the role of this variant in disease. Therefore, it has been classified as a Variant of Uncertain Significance.

PreventionGenetics, part of Exact Sciences
Classification: Uncertain significance for DYRK1B-related condition. Last evaluated: 2024-03-23. Review status: no assertion criteria provided. Collection method: clinical testing. Allele origin: germline. Not counted in ClinVar's aggregate classification.
Comment: The DYRK1B c.1633delC variant is predicted to result in a frameshift and premature protein termination (p.Gln545Serfs*19). This variant occurs within the terminal exon of the DYRK1B gene and therefore may not result in nonsense-mediated decay. To our knowledge, this variant has not been reported in the literature. This variant is reported in 0.0076% of alleles in individuals of African descent in gnomAD. Loss of function variants have not been well documented in the DYRK1B gene (Human Gene Mutation Database). At this time, the clinical significance of this variant is uncertain due to the absence of conclusive functional and genetic evidence.

NM_004714.3(DYRK1B):c.1633del (p.Gln545fs)

Gene: DYRK1B (dual specificity tyrosine phosphorylation regulated kinase 1B; minus strand). Cytogenetic location: 19q13.2.
Variant type: Deletion.
Coding change: c.1633del on transcript NM_004714.3 (MANE Select); coding-DNA position 1633, one base deleted (C; older notation c.1633delC).
Protein change: p.Gln545fs; shifts the reading frame from glutamine 545.
Molecular consequence: frameshift variant.
Genome position (GRCh38, 1-based): chr19:39,825,972, G deleted on the plus strand (C on the coding strand, the reverse complement: DYRK1B is on the minus strand); the first of 7 consecutive G bases (chr19:39,825,972-39,825,978); deleting any one gives the same sequence. VCF-style (leftmost placement, unchanged base first): chr19-39825971-TG-T. GRCh37 (hg19) VCF-style: chr19-40316611-TG-T.
Other names: c.1513del, p.Gln505fs (NM_006483.3); c.1549del, p.Gln517fs (NM_006484.3); short protein forms Q505fs, Q517fs, Q545fs.
Identifiers: ClinVar variation 3350253 (VCV003350253.2).
Genomic context (GRCh38, chr19:39,825,971, plus strand): 5'-TCCATCAGCTCCGGGGGTGGTGGTGAGGTTGGTGATGGGGGACGACCAAGGTATCGGGGC[TG>T]GGGGGGTAACTGGGCCCCGGTCCCAGGCAGTGACGAGGCAGAGGCAGGGGCTTGATGTGT-3'